The following is an entry in ClinVar:

NM_013275.6(ANKRD11):c.5813_5817del (p.Pro1938fs)

Gene: ANKRD11 (ankyrin repeat domain 11; minus strand). Cytogenetic location: 16q24.3.
Variant type: Deletion.
Coding change: c.5813_5817del on transcript NM_013275.6 (MANE Select); coding-DNA positions 5813 to 5817, 5 bases deleted (CCTTC; older notation c.5813_5817delCCTTC).
Protein change: p.Pro1938fs; shifts the reading frame from proline 1938.
Molecular consequence: frameshift variant.
Genome position (GRCh38, 1-based): chr16:89,280,725-89,280,729, GAAGG deleted on the plus strand (CCTTC on the coding strand, the reverse complement: ANKRD11 is on the minus strand); deleting any 5 consecutive bases within chr16:89,280,725-89,280,731 gives the same sequence; the c. name uses the placement nearest the transcript's 3' end. VCF-style (leftmost placement, unchanged base first): chr16-89280724-TGAAGG-T. GRCh37 (hg19) VCF-style: chr16-89347132-TGAAGG-T.
Other names: c.5813_5817del, p.Pro1938fs (NM_001256182.2, NM_001256183.2); short protein forms P1938fs.
Identifiers: ClinVar variation 2503458 (VCV002503458.1), dbSNP rs2544225934, ClinGen allele CA2586963943.

ClinVar aggregate classification (germline): Pathogenic (1 of 4 stars; one submission).

Conditions:
KBG syndrome (KBGS). Also called: ANKRD11-Related KBG Syndrome. Identifiers: Orphanet 2332, MedGen C0220687, MONDO:0007846, OMIM 148050.

Submission:

Medical Genetics Unit, Azienda USL-IRCCS di Reggio Emilia
Classification: Pathogenic for KBG syndrome. Last evaluated: 2022-07-27. Review status: criteria provided, single submitter. Criteria: ACMG Guidelines, 2015. Collection method: clinical testing. Allele origin: maternal. Inheritance: Autosomal dominant inheritance. Affected: yes. Observed: 2 variant alleles, 2 heterozygotes. Segregation with disease observed.
Comment: ACMG/AMP: PVS1,PM2,PP1